The following is an entry in ClinVar:

NM_020975.6(RET):c.1398T>G (p.Phe466Leu)

Gene: RET (ret proto-oncogene; plus strand). Cytogenetic location: 10q11.21.
Variant type: single nucleotide variant.
Coding change: c.1398T>G on transcript NM_020975.6 (MANE Select); coding-DNA position 1398, T replaced by G.
Protein change: p.Phe466Leu; replaces phenylalanine 466 with leucine.
Molecular consequence: missense variant.
Genome position (GRCh38, 1-based): chr10:43,111,341, T>G. VCF-style: chr10-43111341-T-G. GRCh37 (hg19) VCF-style: chr10-43606789-T-G.
Other names: c.1398T>G, p.Phe466Leu (NM_000323.2, NM_001406743.1, NM_001406744.1 and 6 more transcripts); c.636T>G, p.Phe212Leu (NM_001355216.2); c.1269T>G, p.Phe423Leu (NM_001406761.1, NM_001406762.1, NM_001406764.1 and 1 more transcripts); c.1110T>G, p.Phe370Leu (NM_001406766.1, NM_001406767.1, NM_001406770.1); c.1002T>G, p.Phe334Leu (NM_001406769.1, NM_001406772.1); c.960T>G, p.Phe320Leu (NM_001406771.1, NM_001406773.1); c.873T>G, p.Phe291Leu (NM_001406774.1); c.672T>G, p.Phe224Leu (NM_001406775.1, NM_001406776.1, NM_001406777.1 and 1 more transcripts); and 1 more; short protein forms F212L, F224L, F370L, F136L, F320L, F423L, F466L, F334L.
Identifiers: ClinVar variation 1771686 (VCV001771686.2), dbSNP rs2538443217, ClinGen allele CA376549405.

ClinVar aggregate classification (germline): Uncertain significance (1 of 4 stars; one submission).

Conditions:
Hereditary cancer-predisposing syndrome. Also called: Hereditary Cancer Syndrome; Hereditary neoplastic syndrome; Neoplastic Syndromes, Hereditary; Tumor predisposition. Identifiers: Orphanet 140162, MedGen C0027672, MeSH D009386, MONDO:0015356.

Submission:

Ambry Genetics
Classification: Uncertain significance for Hereditary cancer-predisposing syndrome. Last evaluated: 2021-06-03. Review status: criteria provided, single submitter. Criteria: Ambry Variant Classification Scheme 2023. Collection method: clinical testing. Allele origin: germline.
Comment: The p.F466L variant (also known as c.1398T>G), located in coding exon 7 of the RET gene, results from a T to G substitution at nucleotide position 1398. The phenylalanine at codon 466 is replaced by leucine, an amino acid with highly similar properties. This amino acid position is not well conserved in available vertebrate species. In addition, this alteration is predicted to be tolerated by in silico analysis. Since supporting evidence is limited at this time, the clinical significance of this alteration remains unclear.